The following continues an entry in ClinVar:

NM_000492.4(CFTR):c.772A>G (p.Arg258Gly)

Gene: CFTR. ClinVar aggregate classification (germline): Conflicting classifications of pathogenicity. Pathogenic (10); Likely pathogenic (7); Uncertain significance (4).

Submissions 10 to 22 of 22:

Baylor Genetics
Classification: Pathogenic for Bronchiectasis with or without elevated sweat chloride 1. Last evaluated: 2023-09-19. Review status: criteria provided, single submitter. Criteria: ACMG Guidelines, 2015. Collection method: clinical testing. Allele origin: unknown.

Department of Pathology and Laboratory Medicine, Sinai Health System
Classification: Pathogenic for Congenital bilateral aplasia of vas deferens from CFTR mutation; Cystic fibrosis; Bronchiectasis with or without elevated sweat chloride 1. Last evaluated: 2023-02-06. Review status: criteria provided, single submitter. Criteria: ACMG Guidelines, 2015. Collection method: research. Allele origin: germline.

ARUP Laboratories, Molecular Genetics and Genomics, ARUP Laboratories
Classification: Pathogenic. Last evaluated: 2022-10-14. Review status: criteria provided, single submitter. Criteria: ARUP Molecular Germline Variant Investigation Process 2021. Collection method: clinical testing. Allele origin: germline.
Comment: The CFTR c.772A>G; p.Arg258Gly variant (rs191456345) is reported in the literature in multiple individuals affected with congenital absence of the vas deferens or other CFTR-related disorders, including several individuals who carried a second pathogenic CFTR variant (Casals 2000, Chillon 1995, Masvidal 2009, Mercier 1995). This variant is also reported in the CFTR2 database, and in ClinVar (Variation ID: 54055). This variant is found in the general population with an overall allele frequency of 0.017% (46/267144 alleles) in the Genome Aggregation Database. The arginine at codon 258 is highly conserved, and computational analyses predict that this variant is deleterious (REVEL: 0.896). Functional analyses of the variant protein show reduced cell surface expression and decreased channel function (Seibert 1997). Based on available information, this variant is considered to be mildly pathogenic, but is not predicted to cause classic cystic fibrosis. References: Link to CFTR2 database: Casals T et al. Heterogeneity for mutations in the CFTR gene and clinical correlations in patients with congenital absence of the vas deferens. Hum Reprod. 2000 Jul;15(7):1476-83. PMID: 10875853. Chillon M et al. Mutations in the cystic fibrosis gene in patients with congenital absence of the vas deferens. N Engl J Med. 1995 Jun 1;332(22):1475-80. PMID: 7739684. Masvidal L et al. The p.Arg258Gly mutation in intracellular loop 2 of CFTR is associated with CFTR-related disorders. Genet Test Mol Biomarkers. 2009 Dec;13(6):765-8. PMID: 19810821. Mercier B et al. Is congenital bilateral absence of vas deferens a primary form of cystic fibrosis? Analyses of the CFTR gene in 67 patients. Am J Hum Genet. 1995 Jan;56(1):272-7. PMID: 7529962. Seibert FS et al. Disease-associated mutations in cytoplasmic loops 1 and 2 of cystic fibrosis transmembrane conductance regulator impede processing or opening of the channel. Biochemistry. 1997 Sep 30;36(39):11966-74. PMID: 9305991.

Genome-Nilou Lab
Classification: Likely pathogenic for Cystic fibrosis. Last evaluated: 2021-07-22. Review status: criteria provided, single submitter. Criteria: ACMG Guidelines, 2015. Collection method: clinical testing. Allele origin: germline. Affected: no.

CFTR-France
Classification: Pathogenic for CFTR-related disorders. Last evaluated: 2021-01-18. Review status: criteria provided, single submitter. Criteria: Claustres M et al. (Hum Mutat 2017). Collection method: curation. Allele origin: germline. Affected: yes and no. Observed: 2 variant alleles.

Mayo Clinic Laboratories, Mayo Clinic
Classification: Uncertain significance. Last evaluated: 2020-10-02. Review status: criteria provided, single submitter. Criteria: ACMG Guidelines, 2015. Collection method: clinical testing. Allele origin: germline. Observed: 2 variant alleles.

CeGaT Center for Human Genetics Tuebingen
Classification: Pathogenic. Last evaluated: 2019-07-01. Review status: criteria provided, single submitter. Criteria: CeGaT Center For Human Genetics Tuebingen Variant Classification Criteria Version 2. Collection method: clinical testing. Allele origin: germline. Affected: yes. Observed: 1 variant allele.

Mendelics
Classification: Uncertain significance for Cystic fibrosis. Last evaluated: 2018-11-05. Review status: criteria provided, single submitter. Criteria: Mendelics Assertion Criteria 2017. Collection method: clinical testing. Allele origin: unknown. Affected: yes.

Laboratory for Molecular Medicine, Mass General Brigham Personalized Medicine
Classification: Likely pathogenic for Congenital bilateral absence of vas deferens. Last evaluated: 2018-10-23. Review status: criteria provided, single submitter. Criteria: LMM Criteria. Collection method: clinical testing. Allele origin: germline. Inheritance: Autosomal recessive inheritance. Observed: 2 variant alleles.
Comment: The p.Arg258Gly variant in CFTR has been reported in 7 individuals with CFTR-rel ated disorders, including 4 with congenital absence of the vas deferens (CAVD; M ercier 1995, Casals 2000, Grangeia 2007, Masvidal 2009). In three individuals, a variant affecting the second copy of CFTR was not identified. In the other 4 in dividuals, all of whom with CAVD, the p.Arg258Gly was identified in the compound heterozygote state with other CFTR variants, of which at least three were patho genic. The p.Arg258Gly variant has also been reported by other clinical laborato ries in ClinVar (Variation ID: 54055). In vitro functional studies provide some evidence that the p.Arg258Gly variant may impact protein function due to imprope r shuttling to the plasma membrane (Seibert 1997, Loo 2005). Additionally, this variant has been identified in 27/33360 Latino chromosomes by the Genome Aggrega tion Database (gnomAD). Although this variant has been seen in the general population, its frequency is low enough to be consi stent with a recessive carrier frequency. Computational prediction tools and con servation analysis do not provide strong support for or against an impact to the protein. In summary, although additional studies are required to fully establis h its clinical significance, the p.Arg258Gly variant is likely pathogenic for CF TR-related disorders, particularly CVAD, in an autosomal recessive manner based upon presence in multiple affected individuals and functional evidence . ACMG/AM P criteria applied: PM3_VeryStrong, PS3_Moderate.

Illumina Laboratory Services, Illumina
Classification: Pathogenic for CFTR-Related Disorders. Last evaluated: 2018-01-29. Review status: criteria provided, single submitter. Criteria: ICSL Variant Classification Criteria 09 May 2019. Collection method: clinical testing. Allele origin: germline.
Comment: The CFTR c.772A>G (p.Arg258Gly) missense variant has been reported in four studies in which it is found in a total of seven affected individuals including in a compound heterozygous state in three individuals affected with congenital bilateral absence of vas deferens (CBAVD) (Mercier et al. 1995; Casals et al. 2000; Masvidal et al. 2009); in a compound heterozygous state in one individual affected with congenital unilateral absence of vas deferens (CUAVD) plus contralateral dysplasia of seminal vesicle (Masvidal et al. 2009); and in a heterozygous state in one individual affected with CBAVD (Grangeia et al. 2007), one individual affected with chronic pancreatitis and another with bronchiectasis (Masvidal et al. 2009). The individual with bronchiectasis also carried a known complex allele in cis (Masvidal et al. 2009). The p.Arg258Gly variant has not been reported in association with cystic fibrosis.The p.Arg258Gly variant was absent from 374 unaffected individuals and 250 cystic fibrosis patients (Mercier et al. 1995; Masvidal et al. 2009) but is reported at a frequency of 0.00167 in the Latino population of the Exome Aggregation Consortium. The variant is located in the second intracellular loop of the CFTR protein, a region known to highly conserved and contain other missense variants resulting in a CFTR-related disorders phenotype. Expression studies in HEK-293 and in CHO cells showed that the p.Arg258Gly variant resulted in incomplete glycosylation (less than 5% of wildtype levels) and was not transported to the cell surface (Seibert et al. 2007). Lack of surface expression resulted in loss of anion translocation capability of the CFTR protein (Seibert et al. 2007). Surface expression of the variant protein could be rescued by incubation of BHK cells stably transfected with the p.Arg258Gly variant with a quinazoline derivative, as determined by the iodide efflux assay (Loo et al. 2005). Based on the collective clinical and functional evidence, the p.Arg258Gly variant is classified as pathogenic for CFTR-related disorders. This variant was observed by ICSL as part of a predisposition screen in an ostensibly healthy population.

Eurofins Ntd Llc (ga)
Classification: Uncertain significance. Last evaluated: 2017-06-28. Review status: criteria provided, single submitter. Criteria: EGL Classification Definitions 2015. Collection method: clinical testing. Allele origin: germline. Observed: 5 variant alleles, 5 heterozygotes.

Quest Diagnostics Nichols Institute San Juan Capistrano
Classification: Uncertain significance. Last evaluated: 2017-04-22. Review status: criteria provided, single submitter. Criteria: Quest Diagnostics criteria. Collection method: clinical testing. Allele origin: germline.

Counsyl
Classification: Uncertain significance for Cystic fibrosis. Last evaluated: 2018-04-24. Review status: no assertion criteria provided. Collection method: clinical testing. Allele origin: unknown. Not counted in ClinVar's aggregate classification.

Literature cited by the submitters: PubMed 7529962 (cited by 8 submitters); PubMed 10376575 (cited by 4 submitters); PubMed 11466205 (cited by Dasa and Labcorp Genetics (formerly Invitae), Labcorp); PubMed 19810821 (cited by 9 submitters); PubMed 9305991 (cited by 9 submitters); PubMed 16196493 (cited by 8 submitters); PubMed 23104983 (cited by 4 submitters); PubMed 10875853 (cited by 4 submitters); PubMed 17413420 (cited by 5 submitters); PubMed 28196530 (cited by Ambry Genetics); PubMed 28785019 (cited by 3 submitters); PubMed 28830496 (cited by 3 submitters); PubMed 38388235 (cited by Ambry Genetics and Women's Health and Genetics/Laboratory Corporation of America, LabCorp); PubMed 9239681 (cited by Women's Health and Genetics/Laboratory Corporation of America, LabCorp); PubMed 19812525 (cited by Women's Health and Genetics/Laboratory Corporation of America, LabCorp); PubMed 15097853 (cited by Women's Health and Genetics/Laboratory Corporation of America, LabCorp); PubMed 7739684 (cited by Women's Health and Genetics/Laboratory Corporation of America, LabCorp); PubMed 22483971 (cited by Women's Health and Genetics/Laboratory Corporation of America, LabCorp); PubMed 23687349 (cited by Women's Health and Genetics/Laboratory Corporation of America, LabCorp); PubMed 25735457 (cited by Women's Health and Genetics/Laboratory Corporation of America, LabCorp); PubMed 25033378 (cited by Women's Health and Genetics/Laboratory Corporation of America, LabCorp); PubMed 34196078 (cited by Women's Health and Genetics/Laboratory Corporation of America, LabCorp); PubMed 34442373 (cited by Women's Health and Genetics/Laboratory Corporation of America, LabCorp); PubMed 36409994 (cited by Women's Health and Genetics/Laboratory Corporation of America, LabCorp); PubMed 28771972 (cited by Counsyl); PubMed 26574590 (cited by Counsyl).